The following is an entry in ClinVar:

NM_133497.4(KCNV2):c.127_128delinsTA (p.Ile43Tyr)

Gene: KCNV2 (potassium voltage-gated channel modifier subfamily V member 2; plus strand). Cytogenetic location: 9p24.2.
Variant type: Indel.
Coding change: c.127_128delinsTA on transcript NM_133497.4 (MANE Select); coding-DNA positions 127 to 128, AT replaced by TA.
Protein change: p.Ile43Tyr; replaces isoleucine 43 with tyrosine.
Molecular consequence: missense variant.
Genome position (GRCh38, 1-based): chr9:2,717,866-2,717,867, AT replaced by TA. VCF-style: chr9-2717866-AT-TA. GRCh37 (hg19) VCF-style: chr9-2717866-AT-TA.
Other names: short protein forms I43Y.
Identifiers: ClinVar variation 1376725 (VCV001376725.7), dbSNP rs2130860083, ClinGen allele CA2573143771.

ClinVar aggregate classification (germline): Uncertain significance. Review status: criteria provided, multiple submitters, no conflicts (2 of 4 stars). 2 submissions from 2 submitters: Uncertain significance (2). Last evaluated 2022-08-22.

Submissions (2):

Labcorp Genetics (formerly Invitae), Labcorp
Classification: Uncertain significance. Last evaluated: 2022-08-22. Review status: criteria provided, single submitter. Criteria: Invitae Variant Classification Sherloc (09022015). Collection method: clinical testing. Allele origin: germline.
Comment: In summary, the available evidence is currently insufficient to determine the role of this variant in disease. Therefore, it has been classified as a Variant of Uncertain Significance. Algorithms developed to predict the effect of missense changes on protein structure and function are either unavailable or do not agree on the potential impact of this missense change (SIFT: "Not Available"; PolyPhen-2: "Benign"; Align-GVGD: "Not Available"). ClinVar contains an entry for this variant (Variation ID: 1376725). This variant has not been reported in the literature in individuals affected with KCNV2-related conditions. Information on the frequency of this variant in the gnomAD database is not available, as this variant may be reported differently in the database. This sequence change replaces isoleucine, which is neutral and non-polar, with tyrosine, which is neutral and polar, at codon 43 of the KCNV2 protein (p.Ile43Tyr).

Blueprint Genetics
Classification: Uncertain significance. Last evaluated: 2022-05-16. Review status: criteria provided, single submitter. Criteria: ACMG Guidelines, 2015. Collection method: clinical testing. Allele origin: germline.